The following is an entry in ClinVar:

ClinVar aggregate classification (germline): Uncertain significance (1 of 4 stars; one submission).

Conditions:
Hereditary cancer-predisposing syndrome. Also called: Neoplastic Syndromes, Hereditary; Tumor predisposition; Hereditary neoplastic syndrome; Hereditary Cancer Syndrome. Identifiers: Orphanet 140162, MedGen C0027672, MeSH D009386, MONDO:0015356.

Submission:

Ambry Genetics
Classification: Uncertain significance for Hereditary cancer-predisposing syndrome. Last evaluated: 2026-06-22. Review status: criteria provided, single submitter. Criteria: Ambry Variant Classification Scheme 2023. Collection method: clinical testing. Allele origin: germline.
Comment: The p.L90V variant (also known as c.268C>G), located in coding exon 3 of the TSC1 gene, results from a C to G substitution at nucleotide position 268. The leucine at codon 90 is replaced by valine, an amino acid with highly similar properties. This amino acid position is highly conserved in available vertebrate species. In addition, this alteration is predicted to be deleterious by in silico analysis. Based on the available evidence, the clinical significance of this variant remains unclear.

NM_000368.5(TSC1):c.268C>G (p.Leu90Val)

Gene: TSC1 (TSC complex subunit 1; minus strand). Cytogenetic location: 9q34.13.
Variant type: single nucleotide variant.
Coding change: c.268C>G on transcript NM_000368.5 (MANE Select); coding-DNA position 268, C replaced by G.
Protein change: p.Leu90Val; replaces leucine 90 with valine.
Molecular consequence: missense variant. On other transcripts: 5 prime UTR variant (18), intron variant (5), non-coding transcript variant (5).
Genome position (GRCh38, 1-based): chr9:132,925,682, G>C on the plus strand (C>G on the coding strand, the complement: TSC1 is on the minus strand). VCF-style: chr9-132925682-G-C. GRCh37 (hg19) VCF-style: chr9-135801069-G-C.
Other names: c.-96C>G (NM_001362177.2, NM_001406617.1, NM_001406618.1 and 5 more transcripts); c.268C>G, p.Leu90Val (NM_001406592.1, NM_001406593.1, NM_001406594.1 and 16 more transcripts); c.210+1519C>G (NM_001162427.2, NM_001406613.1, NM_001406612.1 and 2 more transcripts); c.-188C>G (NM_001406614.1, NM_001406616.1, NM_001406624.1); c.-221C>G (NM_001406615.1, NM_001406623.1); c.-610C>G (NM_001406626.1, NM_001406627.1, NM_001406628.1); c.-752C>G (NM_001406629.1); c.-826C>G (NM_001406630.1); short protein forms L90V.
Identifiers: ClinVar variation 5031200 (VCV005031200.1).